The following is an entry in ClinVar:

ClinVar aggregate classification (germline): Likely benign. Review status: criteria provided, multiple submitters, no conflicts (2 of 4 stars). 2 submissions from 2 submitters: Likely benign (2). Last evaluated 2025-12-19.

Conditions:
NIK deficiency. Also called: Primary immunodeficiency with multifaceted aberrant lymphoid immunity. Identifiers: Orphanet 447731, MedGen C5680065, MONDO:0018642.

Allele frequency attached by ClinVar (database versions not stated): gnomAD below 0.00001 and 0.00001; ExAC 0.00001; gnomAD exomes 0.00001; TOPMed 0.00001.
gnomAD v4.1: 16 of 1,610,326 alleles (0.00099%); highest among the groups gnomAD compares: Middle Eastern, 0.016%; no homozygotes.

Submissions (2):

Labcorp Genetics (formerly Invitae), Labcorp
Classification: Likely benign for NIK deficiency. Last evaluated: 2025-12-19. Review status: criteria provided, single submitter. Criteria: Invitae Variant Classification Sherloc (09022015). Collection method: clinical testing. Allele origin: germline.

CeGaT Center for Human Genetics Tuebingen
Classification: Likely benign. Last evaluated: 2022-12-01. Review status: criteria provided, single submitter. Criteria: CeGaT Center For Human Genetics Tuebingen Variant Classification Criteria Version 2. Collection method: clinical testing. Allele origin: germline. Affected: yes. Observed: 1 variant allele.
Comment: MAP3K14: BP4, BP7

NM_003954.5(MAP3K14):c.918T>C (p.Cys306=)

Gene: MAP3K14 (mitogen-activated protein kinase kinase kinase 14; minus strand). Cytogenetic location: 17q21.31.
Variant type: single nucleotide variant.
Coding change: c.918T>C on transcript NM_003954.5 (MANE Select); coding-DNA position 918, T replaced by C.
Protein change: p.Cys306=; no amino-acid change (cysteine 306 retained).
Molecular consequence: synonymous variant.
Genome position (GRCh38, 1-based): chr17:45,286,665, A>G on the plus strand (T>C on the coding strand, the complement: MAP3K14 is on the minus strand). VCF-style: chr17-45286665-A-G. GRCh37 (hg19) VCF-style: chr17-43364032-A-G.
Identifiers: ClinVar variation 765705 (VCV000765705.32), dbSNP rs761264502, ClinGen allele CA8614252.